The following is an entry in ClinVar:

ClinVar aggregate classification (germline): Pathogenic (1 of 4 stars; one submission).

Conditions:
Wilson disease (WND). Also called: Wilson's disease. Identifiers: Orphanet 905, MedGen C0019202, MONDO:0010200, OMIM 277900. Disease mechanism: loss of function.

Submission:

3billion
Classification: Pathogenic for Wilson disease. Last evaluated: 2025-03-04. Review status: criteria provided, single submitter. Criteria: ACMG Guidelines, 2015. Collection method: clinical testing. Allele origin: germline. Affected: yes.
Comment: The variant is not observed in the gnomAD v4.1.0 dataset. Predicted Consequence/Location: Frameshift: predicted to result in a loss or disruption of normal protein function through nonsense-mediated decay (NMD) or protein truncation. Multiple pathogenic variants are reported downstream of the variant. Therefore, this variant is classified as Pathogenic according to the recommendation of ACMG/AMP guideline.

NM_000053.4(ATP7B):c.756del (p.Gly253fs)

Gene: ATP7B (ATPase copper transporting beta; minus strand). Cytogenetic location: 13q14.3.
Variant type: Deletion.
Coding change: c.756del on transcript NM_000053.4 (MANE Select); coding-DNA position 756, one base deleted (A; older notation c.756delA).
Protein change: p.Gly253fs; shifts the reading frame from glycine 253.
Molecular consequence: frameshift variant.
Genome position (GRCh38, 1-based): chr13:51,974,464, T deleted on the plus strand (A on the coding strand, the reverse complement: ATP7B is on the minus strand); the first of 2 consecutive T bases (chr13:51,974,464-51,974,465); deleting either gives the same sequence. VCF-style (leftmost placement, unchanged base first): chr13-51974463-CT-C. GRCh37 (hg19) VCF-style: chr13-52548599-CT-C.
Other names: c.756del, p.Gly253fs (NM_001005918.3, NM_001243182.2, NM_001330578.2 and 30 more transcripts); c.660del, p.Gly221fs (NM_001406517.1, NM_001406518.1, NM_001406530.1 and 4 more transcripts); short protein forms G221fs, G253fs.
Identifiers: ClinVar variation 4294064 (VCV004294064.1).
Genomic context (GRCh38, chr13:51,974,463, plus strand): 5'-AGACGCAAGACTTACAATGCATTCCATCTATTCTCAGTTGGAGGGTGACCACATGGCTTC[CT>C]TGGTGCCCCAAGGTCTCAGAATTATTAAAATTCTGGTTAGCAGAAGATAAAGGTCTCTTT-3'